The following is an entry in ClinVar:

ClinVar aggregate classification (germline): Uncertain significance (1 of 4 stars; one submission).

Conditions:
Inborn genetic diseases. Identifiers: MedGen C0950123, MeSH D030342.

Allele frequency attached by ClinVar (database versions not stated): gnomAD exomes below 0.00001.
gnomAD v4.1: 2 of 1,613,738 alleles (0.00012%); highest among the groups gnomAD compares: East Asian, 0.0022%; no homozygotes.

Submission:

Ambry Genetics
Classification: Uncertain significance for Inborn genetic diseases. Last evaluated: 2023-12-01. Review status: criteria provided, single submitter. Criteria: Ambry Variant Classification Scheme 2023. Collection method: clinical testing. Allele origin: germline.
Comment: The p.L180V variant (also known as c.538C>G), located in coding exon 6 of the RAD51 gene, results from a C to G substitution at nucleotide position 538. The leucine at codon 180 is replaced by valine, an amino acid with highly similar properties. This amino acid position is conserved. In addition, this alteration is predicted to be tolerated by in silico analysis. Since supporting evidence is limited at this time, the clinical significance of this alteration remains unclear.

NM_002875.5(RAD51):c.538C>G (p.Leu180Val)

Gene: RAD51 (RAD51 recombinase; plus strand). Cytogenetic location: 15q15.1.
Variant type: single nucleotide variant.
Coding change: c.538C>G on transcript NM_002875.5 (MANE Select); coding-DNA position 538, C replaced by G.
Protein change: p.Leu180Val; replaces leucine 180 with valine.
Molecular consequence: missense variant.
Genome position (GRCh38, 1-based): chr15:40,728,718, C>G. VCF-style: chr15-40728718-C-G. GRCh37 (hg19) VCF-style: chr15-41020916-C-G.
Other names: c.541C>G, p.Leu181Val (NM_001164269.2, NM_133487.4); c.538C>G, p.Leu180Val (NM_001164270.2); short protein forms L180V, L181V.
Identifiers: ClinVar variation 3222859 (VCV003222859.1), dbSNP rs1210342872, ClinGen allele CA391757058.